The following is an entry in ClinVar:

NM_002528.7(NTHL1):c.763del (p.Arg255fs)

Gene: NTHL1 (nth like DNA glycosylase 1; minus strand). Cytogenetic location: 16p13.3.
Variant type: Deletion.
Coding change: c.763del on transcript NM_002528.7 (MANE Select); coding-DNA position 763, one base deleted (C; older notation c.763delC).
Protein change: p.Arg255fs; shifts the reading frame from arginine 255.
Molecular consequence: frameshift variant.
Genome position (GRCh38, 1-based): chr16:2,040,161, G deleted on the plus strand (C on the coding strand, the reverse complement: NTHL1 is on the minus strand); the first of 3 consecutive G bases (chr16:2,040,161-2,040,163); deleting any one gives the same sequence. VCF-style (leftmost placement, unchanged base first): chr16-2040160-CG-C. GRCh37 (hg19) VCF-style: chr16-2090161-CG-C.
Other names: c.592del, p.Arg198fs (NM_001318193.2); c.433del, p.Arg145fs (NM_001318194.2); short protein forms R145fs, R198fs, R255fs.
Identifiers: ClinVar variation 2673970 (VCV002673970.1), dbSNP rs2548311864, ClinGen allele CA2695197412.
Genomic context (GRCh38, chr16:2,040,160, plus strand): 5'-CTTCTCCCTAGGAAGCCCCCCACATACTCATACCTAGGCAGCCACTCCTCCAGGGCGGCG[CG>C]GGTCTCCTCTGGGGACTTGGTTGCCTTCTTGGTCCACCTCAGCCTGTTGGCGATTCTGTG-3'

ClinVar aggregate classification (germline): Likely pathogenic (1 of 4 stars; one submission).

Conditions:
Familial adenomatous polyposis 3. Also called: NTHL1-Related Adenomatous Polyposis and Colorectal Cancer; NTHL1 Tumor Syndrome; NTHL1-related attenuated familial adenomatous polyposis; NTHL1-associated polyposis. Identifiers: Orphanet 220460, Orphanet 454840, MedGen C4225157, MONDO:0014630, OMIM 616415.

Submission:

Myriad Genetics, Inc.
Classification: Likely pathogenic for Familial adenomatous polyposis 3. Last evaluated: 2023-11-22. Review status: criteria provided, single submitter. Criteria: Myriad Autosomal Dominant, Autosomal Recessive and X-Linked Classification Criteria (2023). Collection method: clinical testing. Allele origin: unknown.
Comment: This variant is considered likely pathogenic. This variant creates a frameshift predicted to result in the incorporation of abnormal amino acid sequence into the protein product and abnormal protein elongation.